The following is an entry in ClinVar:

ClinVar aggregate classification (germline): Uncertain significance (1 of 4 stars; one submission).

Conditions:
Leber congenital amaurosis 6 (LCA6). Identifiers: Orphanet 65, MedGen C1854260, MONDO:0013446, OMIM 613826.
Cone-rod dystrophy 13 (CORD13). Identifiers: Orphanet 1872, MedGen C2750720, MONDO:0011987, OMIM 608194.

Allele frequency attached by ClinVar (database versions not stated): TOPMed below 0.00001.

Submission:

Labcorp Genetics (formerly Invitae), Labcorp
Classification: Uncertain significance for Leber congenital amaurosis 6; Cone-rod dystrophy 13. Last evaluated: 2024-02-23. Review status: criteria provided, single submitter. Criteria: Invitae Variant Classification Sherloc (09022015). Collection method: clinical testing. Allele origin: germline.
Comment: This sequence change replaces glutamic acid, which is acidic and polar, with lysine, which is basic and polar, at codon 538 of the RPGRIP1 protein (p.Glu538Lys). This variant is not present in population databases (gnomAD no frequency). This variant has not been reported in the literature in individuals affected with RPGRIP1-related conditions. ClinVar contains an entry for this variant (Variation ID: 1970128). An algorithm developed to predict the effect of missense changes on protein structure and function (PolyPhen-2) suggests that this variant is likely to be disruptive. Algorithms developed to predict the effect of sequence changes on RNA splicing suggest that this variant may create or strengthen a splice site. In summary, the available evidence is currently insufficient to determine the role of this variant in disease. Therefore, it has been classified as a Variant of Uncertain Significance.

NM_020366.4(RPGRIP1):c.1612G>A (p.Glu538Lys)

Gene: RPGRIP1 (RPGR interacting protein 1; plus strand). Cytogenetic location: 14q11.2.
Variant type: single nucleotide variant.
Coding change: c.1612G>A on transcript NM_020366.4 (MANE Select); coding-DNA position 1612, G replaced by A.
Protein change: p.Glu538Lys; replaces glutamic acid 538 with lysine.
Molecular consequence: missense variant.
Genome position (GRCh38, 1-based): chr14:21,321,854, G>A. VCF-style: chr14-21321854-G-A. GRCh37 (hg19) VCF-style: chr14-21790013-G-A.
Other names: c.538G>A, p.Glu180Lys (NM_001377523.1, NM_001377948.1, NM_001377949.1 and 1 more transcripts); c.40G>A, p.Glu14Lys (NM_001377951.1); short protein forms E180K, E538K, E14K.
Identifiers: ClinVar variation 1970128 (VCV001970128.5), dbSNP rs1882510206, ClinGen allele CA388865581.